The following is an entry in ClinVar:

NM_001142864.4(PIEZO1):c.2468T>C (p.Val823Ala)

Genes: HSALR1 (HSP90AB1 associated lncRNA 1; plus strand), PIEZO1 (piezo type mechanosensitive ion channel component 1 (Er blood group); minus strand). Cytogenetic location: 16q24.3.
Variant type: single nucleotide variant.
Coding change: c.2468T>C on transcript NM_001142864.4 (MANE Select); coding-DNA position 2468, T replaced by C.
Protein change: p.Val823Ala; replaces valine 823 with alanine.
Molecular consequence: missense variant.
Genome position (GRCh38, 1-based): chr16:88,733,607, A>G on the plus strand (T>C on the coding strand, the complement: PIEZO1 is on the minus strand). VCF-style: chr16-88733607-A-G. GRCh37 (hg19) VCF-style: chr16-88800015-A-G.
Other names: short protein forms V823A.
Identifiers: ClinVar variation 4810546 (VCV004810546.1).
Genomic context (GRCh38, chr16:88,733,607, plus strand): 5'-CCCCACCCCAGATGGGAAGCTGAGTTGCCTGCCACACTCACCTCCTTCAGGGCCACCCAG[A>G]CGGTGTACAGGGCCACCAGCTTGAAAACGTGAAGCTCCAGCAGCCGCCGCAGGAACACCT-3'
Protein context (NP_001136336.2, residues 813-833): HVFKLVALYT[Val823Ala]WVALKEVSVM

ClinVar aggregate classification (germline): Uncertain significance (1 of 4 stars; one submission).

gnomAD v4.1: 4 of 1,547,304 alleles (0.00026%); highest among the groups gnomAD compares: Non-Finnish European, 0.00026%; no homozygotes.

Submission:

Labcorp Genetics (formerly Invitae), Labcorp
Classification: Uncertain significance. Last evaluated: 2025-05-11. Review status: criteria provided, single submitter. Criteria: Invitae Variant Classification Sherloc (09022015). Collection method: clinical testing. Allele origin: germline.
Comment: This sequence change replaces valine, which is neutral and non-polar, with alanine, which is neutral and non-polar, at codon 823 of the PIEZO1 protein (p.Val823Ala). This variant is not present in population databases (gnomAD no frequency). This variant has not been reported in the literature in individuals affected with PIEZO1-related conditions. Invitae Evidence Modeling of protein sequence and biophysical properties (such as structural, functional, and spatial information, amino acid conservation, physicochemical variation, residue mobility, and thermodynamic stability) has been performed for this missense variant. However, the output from this modeling did not meet the statistical confidence thresholds required to predict the impact of this variant on PIEZO1 protein function. In summary, the available evidence is currently insufficient to determine the role of this variant in disease. Therefore, it has been classified as a Variant of Uncertain Significance.